The following is an entry in ClinVar:

ClinVar aggregate classification (germline): Uncertain significance. Review status: criteria provided, multiple submitters, no conflicts (2 of 4 stars). 4 submissions from 4 submitters: Uncertain significance (4). Last evaluated 2022-08-09.

Conditions:
Fanconi anemia (FA). Also called: Fanconi's anemia. Identifiers: Orphanet 84, MedGen C0015625, MeSH D005199, MONDO:0019391.
Fanconi anemia complementation group I (FANCI). Also called: FANCI-Related Fanconi Anemia. Identifiers: Orphanet 84, MedGen C1836861, MONDO:0012186, OMIM 609053.

Allele frequency attached by ClinVar (database versions not stated): gnomAD exomes below 0.00001; ExAC 0.00002; TOPMed 0.00003.
gnomAD v4.1: 7 of 1,614,184 alleles (0.00043%); highest among the groups gnomAD compares: Non-Finnish European, 0.00051%; no homozygotes.

Submissions (4):

Labcorp Genetics (formerly Invitae), Labcorp
Classification: Uncertain significance for Fanconi anemia. Last evaluated: 2022-08-09. Review status: criteria provided, single submitter. Criteria: Invitae Variant Classification Sherloc (09022015). Collection method: clinical testing. Allele origin: germline.
Comment: This sequence change replaces isoleucine, which is neutral and non-polar, with valine, which is neutral and non-polar, at codon 425 of the FANCI protein (p.Ile425Val). This variant is present in population databases (rs775228768, gnomAD 0.002%). This variant has not been reported in the literature in individuals affected with FANCI-related conditions. ClinVar contains an entry for this variant (Variation ID: 1319718). Algorithms developed to predict the effect of missense changes on protein structure and function (SIFT, PolyPhen-2, Align-GVGD) all suggest that this variant is likely to be tolerated. In summary, the available evidence is currently insufficient to determine the role of this variant in disease. Therefore, it has been classified as a Variant of Uncertain Significance.

Sema4
Classification: Uncertain significance for Fanconi anemia. Last evaluated: 2022-03-18. Review status: criteria provided, single submitter. Criteria: Sema4 Curation Guidelines. Collection method: curation. Allele origin: germline.
Comment: The FANCI c.1273A>G (p.I425V) has not been reported in individuals with a FANCI-related disease, but it has been reported in one healthy control from an ovarian case/control study (PMID: 32546565). This variant was observed in 1/15432 chromosomes in the Non-Finnish European population according to the Genome Aggregation Database (PMID: 32461654). This variant has been reported in ClinVar (Variation ID: 1319718). Functional studies have not been performed, and in silico predictions of the variant's effect on protein function are inconclusive. The evidence is insufficient to meet ACMG/AMP criteria for classifying the variant as benign or pathogenic. Thus, the clinical significance of this variant is currently uncertain.

Institute for Clinical Genetics, University Hospital TU Dresden, University Hospital TU Dresden
Classification: Uncertain significance. Last evaluated: 2021-11-03. Review status: criteria provided, single submitter. Criteria: ACMG Guidelines, 2015. Collection method: clinical testing. Allele origin: germline.

Fulgent Genetics
Classification: Uncertain significance for Fanconi anemia complementation group I. Last evaluated: 2021-07-27. Review status: criteria provided, single submitter. Criteria: ACMG Guidelines, 2015. Collection method: clinical testing. Allele origin: unknown.

Literature cited by the submitters: PubMed 32546565 (cited by Sema4).

NM_001113378.2(FANCI):c.1273A>G (p.Ile425Val)

Gene: FANCI (FA complementation group I; plus strand). Cytogenetic location: 15q26.1.
Variant type: single nucleotide variant.
Coding change: c.1273A>G on transcript NM_001113378.2 (MANE Select); coding-DNA position 1273, A replaced by G.
Protein change: p.Ile425Val; replaces isoleucine 425 with valine.
Molecular consequence: missense variant.
Genome position (GRCh38, 1-based): chr15:89,276,871, A>G. VCF-style: chr15-89276871-A-G. GRCh37 (hg19) VCF-style: chr15-89820102-A-G.
Other names: c.994A>G, p.Ile332Val (NM_001376910.1); c.1273A>G, p.Ile425Val (NM_001376911.1, NM_018193.3); short protein forms I332V, I425V.
Identifiers: ClinVar variation 1319718 (VCV001319718.9), dbSNP rs775228768, ClinGen allele CA7722958.